The following is an entry in ClinVar:

ClinVar aggregate classification (germline): Uncertain significance. Review status: criteria provided, multiple submitters, no conflicts (2 of 4 stars). 2 submissions from 2 submitters: Uncertain significance (2). Last evaluated 2025-11-27.

Allele frequency attached by ClinVar (database versions not stated): gnomAD exomes below 0.00001.
gnomAD v4.1: 2 of 1,591,944 alleles (0.00013%); highest among the groups gnomAD compares: Non-Finnish European, 0.00017%; no homozygotes.

Submissions (2):

Labcorp Genetics (formerly Invitae), Labcorp
Classification: Uncertain significance. Last evaluated: 2025-11-27. Review status: criteria provided, single submitter. Criteria: Invitae Variant Classification Sherloc (09022015). Collection method: clinical testing. Allele origin: germline.
Comment: This sequence change replaces histidine, which is basic and polar, with arginine, which is basic and polar, at codon 1024 of the BUB1 protein (p.His1024Arg). This variant is not present in population databases (gnomAD no frequency). This variant has not been reported in the literature in individuals affected with BUB1-related conditions. ClinVar contains an entry for this variant (Variation ID: 1799501). Experimental studies and prediction algorithms are not available or were not evaluated, and the functional significance of this variant is currently unknown. In summary, the available evidence is currently insufficient to determine the role of this variant in disease. Therefore, it has been classified as a Variant of Uncertain Significance.

Ambry Genetics
Classification: Uncertain significance. Last evaluated: 2022-07-30. Review status: criteria provided, single submitter. Criteria: Ambry Variant Classification Scheme 2023. Collection method: clinical testing. Allele origin: germline.
Comment: The p.H1024R variant (also known as c.3071A>G), located in coding exon 25 of the BUB1 gene, results from an A to G substitution at nucleotide position 3071. The histidine at codon 1024 is replaced by arginine, an amino acid with highly similar properties. This amino acid position is conserved. In addition, this alteration is predicted to be tolerated by in silico analysis. Since supporting evidence is limited at this time, the clinical significance of this alteration remains unclear.

NM_004336.5(BUB1):c.3071A>G (p.His1024Arg)

Gene: BUB1 (BUB1 mitotic checkpoint serine/threonine kinase; minus strand). Cytogenetic location: 2q13.
Variant type: single nucleotide variant.
Coding change: c.3071A>G on transcript NM_004336.5 (MANE Select); coding-DNA position 3071, A replaced by G.
Protein change: p.His1024Arg; replaces histidine 1024 with arginine.
Molecular consequence: missense variant.
Genome position (GRCh38, 1-based): chr2:110,638,151, T>C on the plus strand (A>G on the coding strand, the complement: BUB1 is on the minus strand). VCF-style: chr2-110638151-T-C. GRCh37 (hg19) VCF-style: chr2-111395728-T-C.
Other names: c.3011A>G, p.His1004Arg (NM_001278616.2); c.2900A>G, p.His967Arg (NM_001278617.2); short protein forms H967R, H1004R, H1024R.
Identifiers: ClinVar variation 1799501 (VCV001799501.3), dbSNP rs2467963679, ClinGen allele CA348088629.